The following is an entry in ClinVar:

NM_001085487.3(MYSM1):c.583G>C (p.Ala195Pro)

Gene: MYSM1 (Myb like, SWIRM and MPN domains 1; minus strand). Cytogenetic location: 1p32.1.
Variant type: single nucleotide variant.
Coding change: c.583G>C on transcript NM_001085487.3 (MANE Select); coding-DNA position 583, G replaced by C.
Protein change: p.Ala195Pro; replaces alanine 195 with proline.
Molecular consequence: missense variant.
Genome position (GRCh38, 1-based): chr1:58,682,461, C>G on the plus strand (G>C on the coding strand, the complement: MYSM1 is on the minus strand). VCF-style: chr1-58682461-C-G. GRCh37 (hg19) VCF-style: chr1-59148133-C-G.
Other names: short protein forms A195P.
Identifiers: ClinVar variation 1494276 (VCV001494276.4), dbSNP rs565011535, ClinGen allele CA877981.
Genomic context (GRCh38, chr1:58,682,461, plus strand): 5'-CAATTTTTACAGCATTCAAGTTGGGATCAGCACGTCCCCTTAAACATGATGGTGTCCATG[C>G]CTTTGTCCCTTTATCTTCATTTTTAACTTGAAGATTATGGCCGGTCTTCTGATTTGGTGT-3'
Protein context (NP_001078956.1, residues 185-205): QVKNEDKGTK[Ala195Pro]WTPSCLRGRA

ClinVar aggregate classification (germline): Uncertain significance (1 of 4 stars; one submission).

Allele frequency attached by ClinVar (database versions not stated): gnomAD 0.00003 and 0.00004; TOPMed 0.00003.

Submission:

Labcorp Genetics (formerly Invitae), Labcorp
Classification: Uncertain significance. Last evaluated: 2024-10-29. Review status: criteria provided, single submitter. Criteria: Invitae Variant Classification Sherloc (09022015). Collection method: clinical testing. Allele origin: germline.
Comment: This sequence change replaces alanine, which is neutral and non-polar, with proline, which is neutral and non-polar, at codon 195 of the MYSM1 protein (p.Ala195Pro). This variant is present in population databases (rs565011535, gnomAD 0.006%). This variant has not been reported in the literature in individuals affected with MYSM1-related conditions. ClinVar contains an entry for this variant (Variation ID: 1494276). Invitae Evidence Modeling of protein sequence and biophysical properties (such as structural, functional, and spatial information, amino acid conservation, physicochemical variation, residue mobility, and thermodynamic stability) indicates that this missense variant is not expected to disrupt MYSM1 protein function with a negative predictive value of 80%. In summary, the available evidence is currently insufficient to determine the role of this variant in disease. Therefore, it has been classified as a Variant of Uncertain Significance.